The following is an entry in ClinVar:

ClinVar aggregate classification (germline): Uncertain significance (1 of 4 stars; one submission).

Conditions:
Compton-North congenital myopathy (CMYO12). Identifiers: Orphanet 210163, MedGen C2675527, MONDO:0012929, OMIM 612540.

Submission:

Labcorp Genetics (formerly Invitae), Labcorp
Classification: Uncertain significance for Compton-North congenital myopathy. Last evaluated: 2021-02-22. Review status: criteria provided, single submitter. Criteria: Invitae Variant Classification Sherloc (09022015). Collection method: clinical testing. Allele origin: germline.
Comment: This variant is not present in population databases (ExAC no frequency). This sequence change replaces isoleucine with valine at codon 842 of the CNTN1 protein (p.Ile842Val). The isoleucine residue is highly conserved and there is a small physicochemical difference between isoleucine and valine. This variant has not been reported in the literature in individuals with CNTN1-related conditions. In summary, the available evidence is currently insufficient to determine the role of this variant in disease. Therefore, it has been classified as a Variant of Uncertain Significance. Algorithms developed to predict the effect of sequence changes on RNA splicing suggest that this variant may create or strengthen a splice site, but this prediction has not been confirmed by published transcriptional studies. Algorithms developed to predict the effect of missense changes on protein structure and function output the following: SIFT: "Tolerated"; PolyPhen-2: "Benign"; Align-GVGD: "Class C0". The valine amino acid residue is found in multiple mammalian species, suggesting that this missense change does not adversely affect protein function. These predictions have not been confirmed by published functional studies and their clinical significance is uncertain.

NM_001843.4(CNTN1):c.2524A>G (p.Ile842Val)

Gene: CNTN1 (contactin 1; plus strand). Cytogenetic location: 12q12.
Variant type: single nucleotide variant.
Coding change: c.2524A>G on transcript NM_001843.4 (MANE Select); coding-DNA position 2524, A replaced by G.
Protein change: p.Ile842Val; replaces isoleucine 842 with valine.
Molecular consequence: missense variant.
Genome position (GRCh38, 1-based): chr12:41,025,150, A>G. VCF-style: chr12-41025150-A-G. GRCh37 (hg19) VCF-style: chr12-41418952-A-G.
Other names: c.2491A>G, p.Ile831Val (NM_175038.2); short protein forms I831V, I842V.
Identifiers: ClinVar variation 1440306 (VCV001440306.8), dbSNP rs2120816290, ClinGen allele CA384587377.
Genomic context (GRCh38, chr12:41,025,150, plus strand): 5'-CTTTTCATAGCTGAAGACTCTAAATCATGGCAAAATATAACTCATCCTGAATGTTTGCAG[A>G]TTCGGTATTGGGCTGCCCATGACAAAGAAGAAGCTGCAAACAGAGTTCAAGTCACCAGCC-3'
Protein context (NP_001834.2, residues 832-852): VLEKIVESYQ[Ile842Val]RYWAAHDKEE